The following is an entry in ClinVar:

ClinVar aggregate classification (germline): Uncertain significance (1 of 4 stars; one submission).

Conditions:
Ullrich congenital muscular dystrophy 2 (UCMD2). Identifiers: Orphanet 75840, MedGen C4225314, MONDO:0014654, OMIM 616470.
Bethlem myopathy 2 (BTHLM2). Identifiers: Orphanet 536516, Orphanet 610, MedGen C4225313, MONDO:0034022, OMIM 616471.

Allele frequency attached by ClinVar (database versions not stated): TOPMed below 0.00001.
gnomAD v4.1: 1 of 1,612,526 alleles (0.000062%); no homozygotes.

Submission:

Labcorp Genetics (formerly Invitae), Labcorp
Classification: Uncertain significance for Bethlem myopathy 2; Ullrich congenital muscular dystrophy 2. Last evaluated: 2022-07-25. Review status: criteria provided, single submitter. Criteria: Invitae Variant Classification Sherloc (09022015). Collection method: clinical testing. Allele origin: germline.
Comment: In summary, the available evidence is currently insufficient to determine the role of this variant in disease. Therefore, it has been classified as a Variant of Uncertain Significance. This sequence change replaces glutamic acid, which is acidic and polar, with glycine, which is neutral and non-polar, at codon 2891 of the COL12A1 protein (p.Glu2891Gly). This variant is not present in population databases (gnomAD no frequency). This variant has not been reported in the literature in individuals affected with COL12A1-related conditions. ClinVar contains an entry for this variant (Variation ID: 1004027). Algorithms developed to predict the effect of missense changes on protein structure and function are either unavailable or do not agree on the potential impact of this missense change (SIFT: "Deleterious"; PolyPhen-2: "Possibly Damaging"; Align-GVGD: "Class C0").

NM_004370.6(COL12A1):c.8672A>G (p.Glu2891Gly)

Gene: COL12A1 (collagen type XII alpha 1 chain; minus strand). Cytogenetic location: 6q13.
Variant type: single nucleotide variant.
Coding change: c.8672A>G on transcript NM_004370.6 (MANE Select); coding-DNA position 8672, A replaced by G.
Protein change: p.Glu2891Gly; replaces glutamic acid 2891 with glycine.
Molecular consequence: missense variant.
Genome position (GRCh38, 1-based): chr6:75,091,503, T>C on the plus strand (A>G on the coding strand, the complement: COL12A1 is on the minus strand). VCF-style: chr6-75091503-T-C. GRCh37 (hg19) VCF-style: chr6-75801219-T-C.
Other names: c.5180A>G, p.Glu1727Gly (NM_080645.3); short protein forms E1727G, E2891G.
Identifiers: ClinVar variation 1004027 (VCV001004027.9), dbSNP rs1767765917, ClinGen allele CA364735967.
Genomic context (GRCh38, chr6:75,091,503, plus strand): 5'-AATGTTTAACACACAAAATAAACGTAAGATTTTTTAAAAATACATACCCTATCACCTTTT[T>C]CTCCTTTCAACCCAGATGGACCCTGAAAAATATGAATTACATACATTAGAAACTGACAAA-3'
Protein context (NP_004361.3, residues 2881-2901): GRPGPSGLKG[Glu2891Gly]KGDRGDIASQ